The following is an entry in ClinVar:

NM_000419.5(ITGA2B):c.1439+8C>T

Gene: ITGA2B (integrin subunit alpha 2b; minus strand). Cytogenetic location: 17q21.31.
Variant type: single nucleotide variant.
Coding change: c.1439+8C>T on transcript NM_000419.5 (MANE Select); 8 bases into the intron after coding-DNA position 1439, C replaced by T.
Molecular consequence: intron variant.
Genome position (GRCh38, 1-based): chr17:44,380,592, G>A on the plus strand (C>T on the coding strand, the complement: ITGA2B is on the minus strand). VCF-style: chr17-44380592-G-A. GRCh37 (hg19) VCF-style: chr17-42457960-G-A.
Other names: c.1439+8C>T (LRG_479t1).
Identifiers: ClinVar variation 323556 (VCV000323556.9), dbSNP rs371050454, ClinGen allele CA8603095.
Genomic context (GRCh38, chr17:44,380,592, plus strand): 5'-CCTCCTGGCCTGGCCTCCTCTTGATGGCACAGGACCTTCCCCATCCCGCCCCTGGAGCCA[G>A]TGCTCACCTGTACACAGCCACCTGGTTGGCCCCGTAAGCTCCCACGATCAGGTCTATAGA-3'

ClinVar aggregate classification (germline): Uncertain significance. Review status: reviewed by expert panel (3 of 4 stars). 3 submissions from 3 submitters: Uncertain significance (1). 2 of the submissions do not count toward it. Last evaluated 2024-11-07.

Conditions:
Glanzmann thrombasthenia. Also called: PLATELET GLYCOPROTEIN IIb-IIIa DEFICIENCY; Thrombasthenia; Glanzmann's thrombasthenia; BLEEDING DISORDER, PLATELET-TYPE, 2; THROMBASTHENIA OF GLANZMANN AND NAEGELI. Identifiers: Orphanet 849, MedGen C0040015, MONDO:0100326.

Allele frequency attached by ClinVar (database versions not stated): TOPMed 0.00005; gnomAD exomes 0.00006 and 0.00016; gnomAD 0.00007; ESP Exome Variant Server 0.00008; ExAC 0.00012.
gnomAD v4.1: 99 of 1,614,090 alleles (0.0061%); highest among the groups gnomAD compares: Non-Finnish European, 0.00093%; no homozygotes.

Submissions (3):

ClinGen Platelet Disorders Variant Curation Expert Panel, ClinGen
Classification: Uncertain significance for Glanzmann thrombasthenia. Last evaluated: 2024-11-07. Review status: reviewed by expert panel. Criteria: ClinGen Platelet ACMG Specifications v2-1. Collection method: curation. Allele origin: germline. Inheritance: Autosomal recessive inheritance.
Comment: The c.1439+8C>T variant in ITGA2B is an intronic variant located in intron 14 of 28. The highest population minor allele frequency in gnomAD v4.1.0 is 0.002770(82/29608 alleles) in the Ashkenazi Jewish population, which is higher than the threshold (<0.0001) for PM2_Supporting. The highest continental population minor allele frequency in gnomAD v4.1.0 is 0.000009322 (11/1180044 alleles) in the European (non-Finnish) population, which is below the BS1 threshold of >0.00158. This intronic variant is not predicted by SpliceAI to impact splicing with a score of 0.01. However, BP7 was not applied because the nucleotide is highly conserved, as shown by phyloP score of 1.9773. In summary, this variant meets the criteria to be classified as a variant of uncertain significance for autosomal recessive Glanzmann Thrombasthenia based on the lack of ACMG/AMP criteria applied, as specified by the ClinGen PD VCEP.

Labcorp Genetics (formerly Invitae), Labcorp
Classification: Benign for Glanzmann thrombasthenia. Last evaluated: 2026-01-18. Review status: criteria provided, single submitter. Criteria: Invitae Variant Classification Sherloc (09022015). Collection method: clinical testing. Allele origin: germline. Not counted in ClinVar's aggregate classification.

Illumina Laboratory Services, Illumina
Classification: Uncertain significance for Glanzmann thrombasthenia 1. Last evaluated: 2018-01-13. Review status: criteria provided, single submitter. Criteria: ICSL Variant Classification Criteria 13 December 2019. Collection method: clinical testing. Allele origin: germline. Not counted in ClinVar's aggregate classification.